The following is an entry in ClinVar:

ClinVar aggregate classification (germline): Uncertain significance. Review status: criteria provided, multiple submitters, no conflicts (2 of 4 stars). 5 submissions from 5 submitters: Uncertain significance (5). Last evaluated 2025-06-24.

Conditions:
Inborn genetic diseases. Identifiers: MedGen C0950123, MeSH D030342.
Hydrolethalus syndrome 2 (HLS2). Identifiers: Orphanet 2189, MedGen C3279899, MONDO:0013585, OMIM 614120.
Acrocallosal syndrome (ACLS). Also called: Schinzel syndrome 1; Absence of corpus callosum with unusual facial appearance, mental deficiency, duplication of the halluces and polydactyly; HALLUX DUPLICATION, POSTAXIAL POLYDACTYLY, AND ABSENCE OF CORPUS CALLOSUM. Identifiers: Orphanet 36, MedGen C0796147, MONDO:0008708, OMIM 200990.
Multiple epiphyseal dysplasia, Al-Gazali type. Also called: Macrocephaly with multiple epiphyseal dysplasia and distinctive facies. Identifiers: Orphanet 166024, MedGen C1846722, MONDO:0011778, OMIM 607131.

Allele frequency attached by ClinVar (database versions not stated): gnomAD 0.00006 and 0.00007; ExAC 0.00007; ESP Exome Variant Server 0.00008; gnomAD exomes 0.00008; TOPMed 0.00009.
gnomAD v4.1: 175 of 1,613,650 alleles (0.011%); highest among the groups gnomAD compares: South Asian, 0.02%; no homozygotes.

Submissions (5):

Ambry Genetics
Classification: Uncertain significance for Inborn genetic diseases. Last evaluated: 2025-06-24. Review status: criteria provided, single submitter. Criteria: Ambry Variant Classification Scheme 2023. Collection method: clinical testing. Allele origin: germline.

Blueprint Genetics
Classification: Uncertain significance. Last evaluated: 2024-10-25. Review status: criteria provided, single submitter. Criteria: ACMG Guidelines, 2015. Collection method: clinical testing. Allele origin: germline.

Labcorp Genetics (formerly Invitae), Labcorp
Classification: Uncertain significance for Acrocallosal syndrome. Last evaluated: 2024-01-24. Review status: criteria provided, single submitter. Criteria: Invitae Variant Classification Sherloc (09022015). Collection method: clinical testing. Allele origin: germline.
Comment: This sequence change replaces arginine, which is basic and polar, with tryptophan, which is neutral and slightly polar, at codon 809 of the KIF7 protein (p.Arg809Trp). This variant is present in population databases (rs367734857, gnomAD 0.02%). This variant has not been reported in the literature in individuals affected with KIF7-related conditions. ClinVar contains an entry for this variant (Variation ID: 522734). Advanced modeling of protein sequence and biophysical properties (such as structural, functional, and spatial information, amino acid conservation, physicochemical variation, residue mobility, and thermodynamic stability) performed at Invitae indicates that this missense variant is not expected to disrupt KIF7 protein function with a negative predictive value of 80%. In summary, the available evidence is currently insufficient to determine the role of this variant in disease. Therefore, it has been classified as a Variant of Uncertain Significance.

Fulgent Genetics
Classification: Uncertain significance for Acrocallosal syndrome; Multiple epiphyseal dysplasia, Al-Gazali type; Hydrolethalus syndrome 2. Last evaluated: 2018-10-31. Review status: criteria provided, single submitter. Criteria: ACMG Guidelines, 2015. Collection method: clinical testing. Allele origin: unknown.

Genomic Research Center, Shahid Beheshti University of Medical Sciences
Classification: Uncertain significance for Hydrolethalus syndrome 2. Last evaluated: 2017-12-03. Review status: criteria provided, single submitter. Criteria: ACMG Guidelines, 2015. Collection method: clinical testing. Allele origin: inherited.

NM_198525.3(KIF7):c.2425C>T (p.Arg809Trp)

Gene: KIF7 (kinesin family member 7; minus strand). Cytogenetic location: 15q26.1.
Variant type: single nucleotide variant.
Coding change: c.2425C>T on transcript NM_198525.3 (MANE Select); coding-DNA position 2425, C replaced by T.
Protein change: p.Arg809Trp; replaces arginine 809 with tryptophan.
Molecular consequence: missense variant.
Genome position (GRCh38, 1-based): chr15:89,633,853, G>A on the plus strand (C>T on the coding strand, the complement: KIF7 is on the minus strand). VCF-style: chr15-89633853-G-A. GRCh37 (hg19) VCF-style: chr15-90177084-G-A.
Other names: short protein forms R809W.
Identifiers: ClinVar variation 522734 (VCV000522734.12), dbSNP rs367734857, ClinGen allele CA7728162.
Genomic context (GRCh38, chr15:89,633,853, plus strand): 5'-GCACGTTCCGCTCGAGCTCCTGCAGTCGCTTCTCACTCTGGGCCGACAGTGACACCAGCC[G>A]CTCCGTAGCCTGCTTCTTCTCCTTCAGCACCTGGGACCCACACAGTCTTCACTGGGCCAT-3'
Protein context (NP_940927.2, residues 799-819): VLKEKKQATE[Arg809Trp]LVSLSAQSEK